The following is an entry in ClinVar:

ClinVar aggregate classification (germline): Likely pathogenic (0 of 4 stars; one submission).

Conditions:
Finnish congenital nephrotic syndrome (NPHS1). Also called: NEPHROTIC SYNDROME, TYPE 1. Identifiers: Orphanet 839, MedGen C0403399, MONDO:0009732, OMIM 256300.

Allele frequency attached by ClinVar (database versions not stated): gnomAD exomes below 0.00001 and 0.00001; gnomAD 0.00001.
gnomAD v4.1: 3 of 1,613,750 alleles (0.00019%); no homozygotes.

Submission:

Juha Muilu Group; Institute for Molecular Medicine Finland (FIMM)
Classification: Likely pathogenic for Finnish congenital nephrotic syndrome. Review status: no assertion criteria provided. Collection method: not provided. Allele origin: unknown.
Comment: FinDis database variant: FinDis database variant: This variant was not found or characterized by our laboratory, data were collected from public sources: see reference
ClinVar note: Converted during submission from probable-pathogenic to Likely pathogenic.

NM_004646.4(NPHS1):c.191G>C (p.Trp64Ser)

Genes: NPHS1 (NPHS1 adhesion molecule, nephrin; minus strand), KIRREL2 (kirre like nephrin family adhesion molecule 2; plus strand). Cytogenetic location: 19q13.12.
Variant type: single nucleotide variant.
Coding change: c.191G>C on transcript NM_004646.4 (MANE Select); coding-DNA position 191, G replaced by C.
Protein change: p.Trp64Ser; replaces tryptophan 64 with serine.
Molecular consequence: missense variant.
Genome position (GRCh38, 1-based): chr19:35,851,540, C>G on the plus strand (G>C on the coding strand, the complement: NPHS1 is on the minus strand). VCF-style: chr19-35851540-C-G. GRCh37 (hg19) VCF-style: chr19-36342442-C-G.
Other names: short protein forms W64S.
Identifiers: ClinVar variation 56455 (VCV000056455.2), dbSNP rs386833897, ClinGen allele CA250153.
Genomic context (GRCh38, chr19:35,851,540, plus strand): 5'-CGGTACCTCGGGAAGCCTGGGATCCTGGGGTCGGGGCCCAGGAGCAGCCCATCTTTGGCC[C>G]ATTGCACCGCACTGCCAGGGGTGCTGACCCCACAACGCAGCTCCACTGAGGCCCCCTCCA-3'
Protein context (NP_004637.1, residues 54-74): GVSTPGSAVQ[Trp64Ser]AKDGLLLGPD